The following is an entry in ClinVar:

ClinVar aggregate classification (germline): Uncertain significance (0 of 4 stars; one submission).

Conditions:
FAT1-related disorder. Also called: FAT1-related condition.

Allele frequency attached by ClinVar (database versions not stated): TOPMed below 0.00001.

Submission:

PreventionGenetics, part of Exact Sciences
Classification: Uncertain significance for FAT1-related condition. Last evaluated: 2024-02-07. Review status: no assertion criteria provided. Collection method: clinical testing. Allele origin: germline.
Comment: The FAT1 c.9754G>A variant is predicted to result in the amino acid substitution p.Val3252Met. To our knowledge, this variant has not been reported in the literature or in a large population database, indicating this variant is rare. At this time, the clinical significance of this variant is uncertain due to the absence of conclusive functional and genetic evidence.

NM_005245.4(FAT1):c.9754G>A (p.Val3252Met)

Gene: FAT1 (FAT atypical cadherin 1; minus strand). Cytogenetic location: 4q35.2.
Variant type: single nucleotide variant.
Coding change: c.9754G>A on transcript NM_005245.4 (MANE Select); coding-DNA position 9754, G replaced by A.
Protein change: p.Val3252Met; replaces valine 3252 with methionine.
Molecular consequence: missense variant.
Genome position (GRCh38, 1-based): chr4:186,611,485, C>T on the plus strand (G>A on the coding strand, the complement: FAT1 is on the minus strand). VCF-style: chr4-186611485-C-T. GRCh37 (hg19) VCF-style: chr4-187532639-C-T.
Other names: short protein forms V3252M.
Identifiers: ClinVar variation 3061424 (VCV003061424.2), dbSNP rs1219582357, ClinGen allele CA358956146.
Genomic context (GRCh38, chr4:186,611,485, plus strand): 5'-CACTTATTATTGAGTAGGTGATTTCTGCATTTGCTTCAATATCCCGACTTGCTGCATACA[C>T]TTGAAGAACTTCAGTTCCAACAAGAATGTCCTCAGACACGGTGGCACCATATTCACGGTA-3'
Protein context (NP_005236.2, residues 3242-3262): DILVGTEVLQ[Val3252Met]YAASRDIEAN